The following is an entry in ClinVar:

ClinVar aggregate classification (germline): Benign (1 of 4 stars; one submission).

Allele frequency attached by ClinVar (database versions not stated): TOPMed 0.73645; gnomAD 0.73765 and 0.74112; 1000 Genomes Project 30x 0.77998; 1000 Genomes Project 0.78155.
gnomAD v4.1: 112,481 of 151,964 alleles (74%); highest among the groups gnomAD compares: Middle Eastern, 87%; 42,074 homozygotes.

Submission:

GeneDx
Classification: Benign. Last evaluated: 2018-06-14. Review status: criteria provided, single submitter. Criteria: GeneDx Variant Classification (06012015). Collection method: clinical testing. Allele origin: germline. Affected: yes.
Comment: This variant is considered likely benign or benign based on one or more of the following criteria: it is a conservative change, it occurs at a poorly conserved position in the protein, it is predicted to be benign by multiple in silico algorithms, and/or has population frequency not consistent with disease.

NM_020117.11(LARS1):c.708-226C>G

Gene: LARS1 (leucyl-tRNA synthetase 1; minus strand). Cytogenetic location: 5q32.
Variant type: single nucleotide variant.
Coding change: c.708-226C>G on transcript NM_020117.11 (MANE Select); 226 bases into the intron before coding-DNA position 708, C replaced by G.
Molecular consequence: intron variant.
Genome position (GRCh38, 1-based): chr5:146,159,696, G>C on the plus strand (C>G on the coding strand, the complement: LARS1 is on the minus strand). VCF-style: chr5-146159696-G-C. GRCh37 (hg19) VCF-style: chr5-145539259-G-C.
Other names: c.546-226C>G (NM_001317965.2); c.627-226C>G (NM_016460.4); c.570-226C>G (NM_001317964.2).
Identifiers: ClinVar variation 684146 (VCV000684146.1), dbSNP rs2939536, ClinGen allele CA12038570.